The following is an entry in ClinVar:

ClinVar aggregate classification (germline): Pathogenic (1 of 4 stars; one submission).

Conditions:
Developmental and epileptic encephalopathy, 34 (DEE34). Also called: Early infantile epileptic encephalopathy 34; SLC12A5-Related Epilepsy of Infancy with Migrating Focal Seizures. Identifiers: Orphanet 293181, MedGen C4225257, MONDO:0014718, OMIM 616645.

Submission:

Labcorp Genetics (formerly Invitae), Labcorp
Classification: Pathogenic for Developmental and epileptic encephalopathy, 34. Last evaluated: 2022-03-23. Review status: criteria provided, single submitter. Criteria: Invitae Variant Classification Sherloc (09022015). Collection method: clinical testing. Allele origin: germline.
Comment: This variant has not been reported in the literature in individuals affected with SLC12A5-related conditions. ClinVar contains an entry for this variant (Variation ID: 1070214). For these reasons, this variant has been classified as Pathogenic. This sequence change creates a premature translational stop signal (p.Gly178Trpfs*114) in the SLC12A5 gene. It is expected to result in an absent or disrupted protein product. Loss-of-function variants in SLC12A5 are known to be pathogenic (PMID: 26333769, 27436767). This variant is not present in population databases (gnomAD no frequency).

Literature cited by the submitters: PubMed 26333769; PubMed 27436767.

NM_020708.5(SLC12A5):c.531_532insT (p.Gly178fs)

Gene: SLC12A5 (solute carrier family 12 member 5; plus strand). Cytogenetic location: 20q13.12.
Variant type: Insertion.
Coding change: c.531_532insT on transcript NM_020708.5 (MANE Select); coding-DNA positions 531 to 532, T inserted.
Protein change: p.Gly178fs; shifts the reading frame from glycine 178.
Molecular consequence: frameshift variant.
Genome position: GRCh38 VCF-style: chr20-46037304-G-GT. GRCh37 (hg19) VCF-style: chr20-44665943-G-GT.
Other names: c.600_601insT, p.Gly201fs (NM_001134771.2); short protein forms G178fs, G201fs.
Identifiers: ClinVar variation 1070214 (VCV001070214.10), dbSNP rs2145484584, ClinGen allele CA2499225775.